The following is an entry in ClinVar:

ClinVar aggregate classification (germline): Uncertain significance (1 of 4 stars; one submission).

Conditions:
Perlman syndrome (PRLMNS). Identifiers: Orphanet 2849, MedGen C0796113, MONDO:0009965, OMIM 267000.

Allele frequency attached by ClinVar (database versions not stated): gnomAD exomes below 0.00001.
gnomAD v4.1: 1 of 1,614,118 alleles (0.000062%); highest among the groups gnomAD compares: Non-Finnish European, 0.000085%; no homozygotes.

Submission:

Labcorp Genetics (formerly Invitae), Labcorp
Classification: Uncertain significance for Perlman syndrome. Last evaluated: 2020-11-03. Review status: criteria provided, single submitter. Criteria: Invitae Variant Classification Sherloc (09022015). Collection method: clinical testing. Allele origin: germline.
Comment: This sequence change replaces isoleucine with serine at codon 476 of the DIS3L2 protein (p.Ile476Ser). The isoleucine residue is moderately conserved and there is a large physicochemical difference between isoleucine and serine. In summary, the available evidence is currently insufficient to determine the role of this variant in disease. Therefore, it has been classified as a Variant of Uncertain Significance. Algorithms developed to predict the effect of missense changes on protein structure and function are either unavailable or do not agree on the potential impact of this missense change (SIFT: "Deleterious"; PolyPhen-2: "Probably Damaging"; Align-GVGD: "Class C0"). This variant has not been reported in the literature in individuals with DIS3L2-related conditions. This variant is not present in population databases (ExAC no frequency).

NM_152383.5(DIS3L2):c.1427T>G (p.Ile476Ser)

Gene: DIS3L2 (DIS3 like 3'-5' exoribonuclease 2; plus strand). Cytogenetic location: 2q37.1.
Variant type: single nucleotide variant.
Coding change: c.1427T>G on transcript NM_152383.5 (MANE Select); coding-DNA position 1427, T replaced by G.
Protein change: p.Ile476Ser; replaces isoleucine 476 with serine.
Molecular consequence: missense variant. On other transcripts: non-coding transcript variant (2).
Genome position (GRCh38, 1-based): chr2:232,263,208, T>G. VCF-style: chr2-232263208-T-G. GRCh37 (hg19) VCF-style: chr2-233127918-T-G.
Other names: c.1427T>G, p.Ile476Ser (NM_001257281.2); short protein forms I476S.
Identifiers: ClinVar variation 1005989 (VCV001005989.8), dbSNP rs1410689147, ClinGen allele CA350975107.